The following is an entry in ClinVar:

NC_000009.11:g.(?_123742341)_(123745112_?)del

Gene: C5 (complement C5; minus strand). Cytogenetic location: 9q33.2.
Variant type: Deletion.
Identifiers: ClinVar variation 3245307 (VCV003245307.1).

ClinVar aggregate classification (germline): Pathogenic (1 of 4 stars; one submission).

Submission:

Labcorp Genetics (formerly Invitae), Labcorp
Classification: Pathogenic. Last evaluated: 2022-11-01. Review status: criteria provided, single submitter. Criteria: Invitae Variant Classification Sherloc (09022015). Collection method: clinical testing. Allele origin: unknown.
Comment: For these reasons, this variant has been classified as Pathogenic. This variant has not been reported in the literature in individuals affected with C5-related conditions. This variant is a gross deletion of the genomic region encompassing exon(s) 26-28 of the C5 gene. This deletion is out-of-frame, and is expected to create a premature termination codon and result in an absent or disrupted protein product. Loss-of-function variants in C5 are known to be pathogenic (PMID: 7730648, 19414197, 27026170).

Literature cited by the submitters: PubMed 7730648; PubMed 19414197; PubMed 27026170.